The following is an entry in ClinVar:

NM_001458.5(FLNC):c.2633A>G (p.Asn878Ser)

Gene: FLNC (filamin C; plus strand). Cytogenetic location: 7q32.1.
Variant type: single nucleotide variant.
Coding change: c.2633A>G on transcript NM_001458.5 (MANE Select); coding-DNA position 2633, A replaced by G.
Protein change: p.Asn878Ser; replaces asparagine 878 with serine.
Molecular consequence: missense variant.
Genome position (GRCh38, 1-based): chr7:128,843,311, A>G. VCF-style: chr7-128843311-A-G. GRCh37 (hg19) VCF-style: chr7-128483365-A-G.
Other names: c.2633A>G, p.Asn878Ser (NM_001127487.2); short protein forms N878S.
Identifiers: ClinVar variation 1930818 (VCV001930818.5), dbSNP rs1808417929, ClinGen allele CA369192619.

ClinVar aggregate classification (germline): Uncertain significance (1 of 4 stars; one submission).

Conditions:
Distal myopathy with posterior leg and anterior hand involvement. Also called: WILLIAMS DISTAL MYOPATHY. Identifiers: Orphanet 63273, MedGen C3279722, MONDO:0013550, OMIM 614065.
Myofibrillar myopathy 5. Also called: Filaminopathy (type); FILAMINOPATHY, AUTOSOMAL DOMINANT. Identifiers: Orphanet 171445, MedGen C1836050, MONDO:0012289, OMIM 609524.
Hypertrophic cardiomyopathy 26. Also called: Cardiomyopathy, familial hypertrophic, 26. Identifiers: Orphanet 75249, MedGen C4310749, MONDO:0014883, OMIM 617047.

Allele frequency attached by ClinVar (database versions not stated): gnomAD exomes below 0.00001; TOPMed below 0.00001; gnomAD 0.00001.
gnomAD v4.1: 2 of 1,612,990 alleles (0.00012%); highest among the groups gnomAD compares: Non-Finnish European, 0.00017%; no homozygotes.

Submission:

Labcorp Genetics (formerly Invitae), Labcorp
Classification: Uncertain significance for Distal myopathy with posterior leg and anterior hand involvement; Myofibrillar myopathy 5; Hypertrophic cardiomyopathy 26. Last evaluated: 2022-08-22. Review status: criteria provided, single submitter. Criteria: Invitae Variant Classification Sherloc (09022015). Collection method: clinical testing. Allele origin: germline.
Comment: In summary, the available evidence is currently insufficient to determine the role of this variant in disease. Therefore, it has been classified as a Variant of Uncertain Significance. Algorithms developed to predict the effect of missense changes on protein structure and function output the following: SIFT: "Tolerated"; PolyPhen-2: "Benign"; Align-GVGD: "Class C0". The serine amino acid residue is found in multiple mammalian species, which suggests that this missense change does not adversely affect protein function. This variant has not been reported in the literature in individuals affected with FLNC-related conditions. This variant is not present in population databases (gnomAD no frequency). This sequence change replaces asparagine, which is neutral and polar, with serine, which is neutral and polar, at codon 878 of the FLNC protein (p.Asn878Ser).